The following is an entry in ClinVar:

ClinVar aggregate classification (germline): Uncertain significance. Review status: criteria provided, multiple submitters, no conflicts (2 of 4 stars). 3 submissions from 3 submitters: Uncertain significance (3). Last evaluated 2025-12-24.

Conditions:
Age related macular degeneration 1 (ARMD1). Also called: MACULOPATHY, AGE-RELATED, 1. Identifiers: MedGen C1864205, MONDO:0011285, OMIM 603075.

Allele frequency attached by ClinVar (database versions not stated): TOPMed 0.00002; gnomAD 0.00003; gnomAD exomes 0.00004; ExAC 0.00005; ESP Exome Variant Server 0.00008.
gnomAD v4.1: 55 of 1,614,140 alleles (0.0034%); highest among the groups gnomAD compares: Middle Eastern, 0.016%; no homozygotes.

Submissions (3):

Labcorp Genetics (formerly Invitae), Labcorp
Classification: Uncertain significance. Last evaluated: 2025-12-24. Review status: criteria provided, single submitter. Criteria: Invitae Variant Classification Sherloc (09022015). Collection method: clinical testing. Allele origin: germline.
Comment: This sequence change replaces proline, which is neutral and non-polar, with serine, which is neutral and polar, at codon 3666 of the HMCN1 protein (p.Pro3666Ser). This variant is present in population databases (rs375095817, gnomAD 0.008%). This variant has not been reported in the literature in individuals affected with HMCN1-related conditions. ClinVar contains an entry for this variant (Variation ID: 2084989). An algorithm developed to predict the effect of missense changes on protein structure and function (PolyPhen-2) suggests that this variant is likely to be disruptive. In summary, the available evidence is currently insufficient to determine the role of this variant in disease. Therefore, it has been classified as a Variant of Uncertain Significance.

Ambry Genetics
Classification: Uncertain significance. Last evaluated: 2025-08-12. Review status: criteria provided, single submitter. Criteria: Ambry Variant Classification Scheme 2023. Collection method: clinical testing. Allele origin: germline.

Genome-Nilou Lab
Classification: Uncertain significance for Age related macular degeneration 1. Last evaluated: 2023-04-11. Review status: criteria provided, single submitter. Criteria: ACMG Guidelines, 2015. Collection method: clinical testing. Allele origin: germline. Affected: no.

NM_031935.3(HMCN1):c.10996C>T (p.Pro3666Ser)

Gene: HMCN1 (hemicentin 1; plus strand). Cytogenetic location: 1q31.1.
Variant type: single nucleotide variant.
Coding change: c.10996C>T on transcript NM_031935.3 (MANE Select); coding-DNA position 10996, C replaced by T.
Protein change: p.Pro3666Ser; replaces proline 3666 with serine.
Molecular consequence: missense variant.
Genome position (GRCh38, 1-based): chr1:186,112,818, C>T. VCF-style: chr1-186112818-C-T. GRCh37 (hg19) VCF-style: chr1-186081950-C-T.
Other names: c.10996C>T (NM_031935.2); short protein forms P3666S.
Identifiers: ClinVar variation 2084989 (VCV002084989.8), dbSNP rs375095817, ClinGen allele CA1293904.